The following is an entry in ClinVar:

NM_001367624.2(ZNF469):c.6541G>A (p.Val2181Ile)

Gene: ZNF469 (zinc finger protein 469; plus strand). Cytogenetic location: 16q24.2.
Variant type: single nucleotide variant.
Coding change: c.6541G>A on transcript NM_001367624.2 (MANE Select); coding-DNA position 6541, G replaced by A.
Protein change: p.Val2181Ile; replaces valine 2181 with isoleucine.
Molecular consequence: missense variant.
Genome position (GRCh38, 1-based): chr16:88,434,011, G>A. VCF-style: chr16-88434011-G-A. GRCh37 (hg19) VCF-style: chr16-88500419-G-A.
Other names: NM_001127464.1:c.6457G>A; short protein forms V2181I.
Identifiers: ClinVar variation 1753628 (VCV001753628.6), dbSNP rs113838400, ClinGen allele CA8225163.

ClinVar aggregate classification (germline): Uncertain significance. Review status: criteria provided, multiple submitters, no conflicts (2 of 4 stars). 3 submissions from 3 submitters: Uncertain significance (3). Last evaluated 2024-01-29.

Conditions:
Cardiovascular phenotype. Identifiers: MedGen CN230736.

Allele frequency attached by ClinVar (database versions not stated): TOPMed 0.00011; gnomAD 0.00013; 1000 Genomes Project 0.00020; 1000 Genomes Project 30x 0.00031; ExAC 0.00041.
gnomAD v4.1: 141 of 1,550,258 alleles (0.0091%); highest among the groups gnomAD compares: South Asian, 0.055%; no homozygotes.

Submissions (3):

Labcorp Genetics (formerly Invitae), Labcorp
Classification: Uncertain significance. Last evaluated: 2024-01-29. Review status: criteria provided, single submitter. Criteria: Invitae Variant Classification Sherloc (09022015). Collection method: clinical testing. Allele origin: germline.
Comment: This sequence change replaces valine, which is neutral and non-polar, with isoleucine, which is neutral and non-polar, at codon 2153 of the ZNF469 protein (p.Val2153Ile). This variant is present in population databases (rs113838400, gnomAD 0.07%). This variant has not been reported in the literature in individuals affected with ZNF469-related conditions. ClinVar contains an entry for this variant (Variation ID: 1753628). Algorithms developed to predict the effect of missense changes on protein structure and function output the following: SIFT: "Not Available"; PolyPhen-2: "Benign"; Align-GVGD: "Not Available". The isoleucine amino acid residue is found in multiple mammalian species, which suggests that this missense change does not adversely affect protein function. In summary, the available evidence is currently insufficient to determine the role of this variant in disease. Therefore, it has been classified as a Variant of Uncertain Significance.

GeneDx
Classification: Uncertain significance. Last evaluated: 2023-09-08. Review status: criteria provided, single submitter. Criteria: GeneDx Variant Classification Process June 2021. Collection method: clinical testing. Allele origin: germline. Affected: yes.
Comment: Reported in a proband with bilateral lattice corneal dystrophy who also harbors an additional variant in the TGFBI gene; additionally a second ZNF469 variant was not identified (Jaakkola et al., 2021); In silico analysis supports that this missense variant does not alter protein structure/function; This variant is associated with the following publications: (PMID: 33645289)

Ambry Genetics
Classification: Uncertain significance for Cardiovascular phenotype. Last evaluated: 2019-06-17. Review status: criteria provided, single submitter. Criteria: Ambry Variant Classification Scheme 2023. Collection method: clinical testing. Allele origin: germline.
Comment: The p.V2153I variant (also known as c.6457G>A), located in coding exon 2 of the ZNF469 gene, results from a G to A substitution at nucleotide position 6457. The valine at codon 2153 is replaced by isoleucine, an amino acid with highly similar properties. This amino acid position is poorly conserved in available vertebrate species. In addition, this alteration is predicted to be tolerated by BayesDel in silico analysis. Since supporting evidence is limited at this time, the clinical significance of this alteration remains unclear.